The following is an entry in ClinVar:

ClinVar aggregate classification (germline): Uncertain significance (1 of 4 stars; one submission).

Conditions:
Bloom syndrome (BLM). Also called: Bloom-Torre-Machacek syndrome. Identifiers: Orphanet 125, MedGen C0005859, MONDO:0008876, OMIM 210900.

Submission:

Labcorp Genetics (formerly Invitae), Labcorp
Classification: Uncertain significance for Bloom syndrome. Last evaluated: 2024-07-29. Review status: criteria provided, single submitter. Criteria: Invitae Variant Classification Sherloc (09022015). Collection method: clinical testing. Allele origin: germline.
Comment: This sequence change replaces lysine, which is basic and polar, with glutamic acid, which is acidic and polar, at codon 873 of the BLM protein (p.Lys873Glu). This variant is not present in population databases (gnomAD no frequency). This variant has not been reported in the literature in individuals affected with BLM-related conditions. ClinVar contains an entry for this variant (Variation ID: 1061477). Advanced modeling of protein sequence and biophysical properties (such as structural, functional, and spatial information, amino acid conservation, physicochemical variation, residue mobility, and thermodynamic stability) performed at Invitae indicates that this missense variant is not expected to disrupt BLM protein function with a negative predictive value of 80%. In summary, the available evidence is currently insufficient to determine the role of this variant in disease. Therefore, it has been classified as a Variant of Uncertain Significance.

NM_000057.4(BLM):c.2617A>G (p.Lys873Glu)

Gene: BLM (BLM RecQ like helicase; plus strand). Cytogenetic location: 15q26.1.
Variant type: single nucleotide variant.
Coding change: c.2617A>G on transcript NM_000057.4 (MANE Select); coding-DNA position 2617, A replaced by G.
Protein change: p.Lys873Glu; replaces lysine 873 with glutamic acid.
Molecular consequence: missense variant.
Genome position (GRCh38, 1-based): chr15:90,782,883, A>G. VCF-style: chr15-90782883-A-G. GRCh37 (hg19) VCF-style: chr15-91326113-A-G.
Other names: c.2617A>G, p.Lys873Glu (NM_001287246.2, NM_001287247.2); c.1492A>G, p.Lys498Glu (NM_001287248.2); short protein forms K498E, K873E.
Identifiers: ClinVar variation 1061477 (VCV001061477.9), dbSNP rs2151178110, ClinGen allele CA393845725.